The following is an entry in ClinVar:

ClinVar aggregate classification (germline): Uncertain significance (1 of 4 stars; one submission).

Conditions:
Aicardi-Goutieres syndrome 5. Identifiers: Orphanet 51, MedGen C2749659, MONDO:0013059, OMIM 612952.

Submission:

Labcorp Genetics (formerly Invitae), Labcorp
Classification: Uncertain significance for Aicardi-Goutieres syndrome 5. Last evaluated: 2022-09-07. Review status: criteria provided, single submitter. Criteria: Invitae Variant Classification Sherloc (09022015). Collection method: clinical testing. Allele origin: germline.
Comment: In summary, the available evidence is currently insufficient to determine the role of this variant in disease. Therefore, it has been classified as a Variant of Uncertain Significance. Algorithms developed to predict the effect of missense changes on protein structure and function are either unavailable or do not agree on the potential impact of this missense change (SIFT: "Tolerated"; PolyPhen-2: "Possibly Damaging"; Align-GVGD: "Class C0"). ClinVar contains an entry for this variant (Variation ID: 1379468). This variant has not been reported in the literature in individuals affected with SAMHD1-related conditions. This variant is not present in population databases (gnomAD no frequency). This sequence change replaces proline, which is neutral and non-polar, with threonine, which is neutral and polar, at codon 187 of the SAMHD1 protein (p.Pro187Thr).

NM_015474.4(SAMHD1):c.559C>A (p.Pro187Thr)

Gene: SAMHD1 (SAM and HD domain containing deoxynucleoside triphosphate triphosphohydrolase 1; minus strand). Cytogenetic location: 20q11.23.
Variant type: single nucleotide variant.
Coding change: c.559C>A on transcript NM_015474.4 (MANE Select); coding-DNA position 559, C replaced by A.
Protein change: p.Pro187Thr; replaces proline 187 with threonine.
Molecular consequence: missense variant.
Genome position (GRCh38, 1-based): chr20:36,930,826, G>T on the plus strand (C>A on the coding strand, the complement: SAMHD1 is on the minus strand). VCF-style: chr20-36930826-G-T. GRCh37 (hg19) VCF-style: chr20-35559229-G-T.
Other names: c.559C>A, p.Pro187Thr (NM_001363729.2, NM_001363733.2); short protein forms P187T.
Identifiers: ClinVar variation 1379468 (VCV001379468.6), dbSNP rs2146132053, ClinGen allele CA408822189.
Genomic context (GRCh38, chr20:36,930,826, plus strand): 5'-CATGACAAAGTCCAGCAATCTGAACACAGAGAACATCTCGTTCACTTATCTGCAGCTCTG[G>T]TTGTTTTTCACCCAGTGCGTGAACTAGACATCCTGCTAGATACCCCACCCTGCAGAGCAA-3'
Protein context (NP_056289.2, residues 177-197): CLVHALGEKQ[Pro187Thr]ELQISERDVL